The following is an entry in ClinVar:

NM_003849.4(SUCLG1):c.1014+6C>A

Gene: SUCLG1 (succinate-CoA ligase GDP/ADP-forming subunit alpha; minus strand). Cytogenetic location: 2p11.2.
Variant type: single nucleotide variant.
Coding change: c.1014+6C>A on transcript NM_003849.4 (MANE Select); 6 bases into the intron after coding-DNA position 1014, C replaced by A.
Molecular consequence: intron variant.
Genome position (GRCh38, 1-based): chr2:84,425,409, G>T on the plus strand (C>A on the coding strand, the complement: SUCLG1 is on the minus strand). VCF-style: chr2-84425409-G-T. GRCh37 (hg19) VCF-style: chr2-84652533-G-T.
Identifiers: ClinVar variation 2063439 (VCV002063439.4), dbSNP rs368943592, ClinGen allele CA1736126.

ClinVar aggregate classification (germline): Uncertain significance (1 of 4 stars; one submission).

Conditions:
Mitochondrial DNA depletion syndrome 9 (MTDPS9). Also called: SUCLG1-Related Mitochondrial DNA Depletion Syndrome, Encephalomyopathic Form with Methylmalonic Aciduria. Identifiers: Orphanet 17, MedGen C3151476, MONDO:0009504, OMIM 245400.

Allele frequency attached by ClinVar (database versions not stated): gnomAD exomes below 0.00001; ExAC 0.00001; TOPMed 0.00004; gnomAD 0.00005; ESP Exome Variant Server 0.00023.
gnomAD v4.1: 13 of 1,613,990 alleles (0.00081%); highest among the groups gnomAD compares: African/African-American, 0.016%; no homozygotes.

Submission:

Labcorp Genetics (formerly Invitae), Labcorp
Classification: Uncertain significance for Mitochondrial DNA depletion syndrome 9. Last evaluated: 2023-04-27. Review status: criteria provided, single submitter. Criteria: Invitae Variant Classification Sherloc (09022015). Collection method: clinical testing. Allele origin: germline.
Comment: In summary, the available evidence is currently insufficient to determine the role of this variant in disease. Therefore, it has been classified as a Variant of Uncertain Significance. Variants that disrupt the consensus splice site are a relatively common cause of aberrant splicing (PMID: 17576681, 9536098). Algorithms developed to predict the effect of sequence changes on RNA splicing suggest that this variant is not likely to affect RNA splicing. ClinVar contains an entry for this variant (Variation ID: 2063439). This variant has not been reported in the literature in individuals affected with SUCLG1-related conditions. This variant is present in population databases (rs368943592, gnomAD 0.01%). This sequence change falls in intron 8 of the SUCLG1 gene. It does not directly change the encoded amino acid sequence of the SUCLG1 protein. It affects a nucleotide within the consensus splice site.

Literature cited by the submitters: PubMed 17576681; PubMed 9536098.